The following is an entry in ClinVar:

NM_004655.4(AXIN2):c.2145_2151del (p.Cys715fs)

Gene: AXIN2 (axin 2; minus strand). Cytogenetic location: 17q24.1.
Variant type: Deletion.
Coding change: c.2145_2151del on transcript NM_004655.4 (MANE Select); coding-DNA positions 2145 to 2151, 7 bases deleted (CTGTGTG; older notation c.2145_2151delCTGTGTG).
Protein change: p.Cys715fs; shifts the reading frame from cysteine 715.
Molecular consequence: frameshift variant.
Genome position (GRCh38, 1-based): chr17:65,535,712-65,535,718, CACACAG deleted on the plus strand (CTGTGTG on the coding strand, the reverse complement: AXIN2 is on the minus strand); deleting any 7 consecutive bases within chr17:65,535,712-65,535,721 gives the same sequence; the c. name uses the placement nearest the transcript's 3' end. VCF-style (leftmost placement, unchanged base first): chr17-65535711-CCACACAG-C. GRCh37 (hg19) VCF-style: chr17-63531829-CCACACAG-C.
Other names: c.1950_1956del, p.Cys650fs (NM_001363813.1); short protein forms C715fs, C650fs.
Identifiers: ClinVar variation 1387754 (VCV001387754.6), dbSNP rs2144433886, ClinGen allele CA2573154698.

ClinVar aggregate classification (germline): Pathogenic (1 of 4 stars; one submission).

Conditions:
Oligodontia-cancer predisposition syndrome. Also called: TOOTH AGENESIS-COLORECTAL CANCER SYNDROME. Identifiers: Orphanet 300576, MedGen C1837750, MONDO:0012075, OMIM 608615. Disease mechanism: loss of function.

Submission:

Labcorp Genetics (formerly Invitae), Labcorp
Classification: Pathogenic for Oligodontia-cancer predisposition syndrome. Last evaluated: 2021-12-02. Review status: criteria provided, single submitter. Criteria: Invitae Variant Classification Sherloc (09022015). Collection method: clinical testing. Allele origin: germline.
Comment: This sequence change creates a premature translational stop signal (p.Cys715Trpfs*65) in the AXIN2 gene. It is expected to result in an absent or disrupted protein product. Loss-of-function variants in AXIN2 are known to be pathogenic (PMID: 15042511, 21416598). This variant is not present in population databases (gnomAD no frequency). This variant has not been reported in the literature in individuals affected with AXIN2-related conditions. For these reasons, this variant has been classified as Pathogenic.

Literature cited by the submitters: PubMed 15042511; PubMed 21416598.